The following is an entry in ClinVar:

ClinVar aggregate classification (germline): Uncertain significance (1 of 4 stars; one submission).

Allele frequency attached by ClinVar (database versions not stated): gnomAD exomes below 0.00001; gnomAD 0.00001; TOPMed 0.00001.
gnomAD v4.1: 2 of 1,613,138 alleles (0.00012%); highest among the groups gnomAD compares: Non-Finnish European, 0.00017%; no homozygotes.

Submission:

Labcorp Genetics (formerly Invitae), Labcorp
Classification: Uncertain significance. Last evaluated: 2022-03-09. Review status: criteria provided, single submitter. Criteria: Invitae Variant Classification Sherloc (09022015). Collection method: clinical testing. Allele origin: germline.
Comment: This sequence change falls in intron 6 of the SAG gene. It does not directly change the encoded amino acid sequence of the SAG protein. It affects a nucleotide within the consensus splice site. In summary, the available evidence is currently insufficient to determine the role of this variant in disease. Therefore, it has been classified as a Variant of Uncertain Significance. This variant is not present in population databases (gnomAD no frequency). This variant has not been reported in the literature in individuals affected with SAG-related conditions. Variants that disrupt the consensus splice site are a relatively common cause of aberrant splicing (PMID: 17576681, 9536098). Algorithms developed to predict the effect of sequence changes on RNA splicing suggest that this variant is not likely to affect RNA splicing.

Literature cited by the submitters: PubMed 17576681; PubMed 9536098.

NM_000541.5(SAG):c.436-3C>T

Gene: SAG (S-antigen visual arrestin; plus strand). Cytogenetic location: 2q37.1.
Variant type: single nucleotide variant.
Coding change: c.436-3C>T on transcript NM_000541.5 (MANE Select); 3 bases into the intron before coding-DNA position 436, C replaced by T.
Molecular consequence: intron variant.
Genome position (GRCh38, 1-based): chr2:233,327,118, C>T. VCF-style: chr2-233327118-C-T. GRCh37 (hg19) VCF-style: chr2-234235764-C-T.
Identifiers: ClinVar variation 2051450 (VCV002051450.4), dbSNP rs1700584576, ClinGen allele CA1043530451.
Genomic context (GRCh38, chr2:233,327,118, plus strand): 5'-TCTGGCCCGGCACCCAGGGAGGGAGTCGCTGATCGCTGCCTGTCTGCTCTCTCTCCCCAA[C>T]AGTCCTGTGGGGTTGACTTTGAGGTCAAAGCATTCGCCACAGACAGCACCGATGCCGAAG-3'